The following is an entry in ClinVar:

ClinVar aggregate classification (germline): Conflicting classifications of pathogenicity. Review status: criteria provided, conflicting classifications (1 of 4 stars). 7 submissions from 7 submitters: Uncertain significance (3); Likely benign (3). 1 of the submissions does not count toward it. Last evaluated 2025-11-01.

Conditions:
FH-related disorder. Also called: FH-related disorders; FH-related condition.
Hereditary leiomyomatosis and renal cell cancer. Also called: MULTIPLE CUTANEOUS AND UTERINE LEIOMYOMATA 1, WITH OR WITHOUT RENAL CELL CARCINOMA; Reed syndrome; Multiple cutaneous and uterine leiomyomatosis; Cutaneous leiomyomata with uterine leiomyomata; Leiomyoma, hereditary multiple, of skin; Multiple cutaneous and uterine leiomyomata. Identifiers: Orphanet 523, MedGen C1708350, MONDO:0007888, OMIM 150800, HP:0007437. Disease mechanism: loss of function.
Hereditary cancer-predisposing syndrome. Also called: Neoplastic Syndromes, Hereditary; Hereditary Cancer Syndrome; Tumor predisposition; Hereditary neoplastic syndrome. Identifiers: Orphanet 140162, MedGen C0027672, MeSH D009386, MONDO:0015356.

Allele frequency attached by ClinVar (database versions not stated): TOPMed 0.00003; gnomAD 0.00004; gnomAD exomes 0.00005; ExAC 0.00007; ESP Exome Variant Server 0.00009.
gnomAD v4.1: 36 of 1,534,138 alleles (0.0023%); highest among the groups gnomAD compares: Non-Finnish European, 0.003%; no homozygotes.

Submissions (7):

CeGaT Center for Human Genetics Tuebingen
Classification: Uncertain significance. Last evaluated: 2025-11-01. Review status: criteria provided, single submitter. Criteria: CeGaT Center For Human Genetics Tuebingen Variant Classification Criteria Version 2. Collection method: clinical testing. Allele origin: germline. Affected: yes. Observed: 1 variant allele.
Comment: FH: PM2, BP4

Ambry Genetics
Classification: Likely benign for Hereditary cancer-predisposing syndrome. Last evaluated: 2025-09-25. Review status: criteria provided, single submitter. Criteria: Ambry Variant Classification Scheme 2023. Collection method: clinical testing. Allele origin: germline.

Center for Genomic Medicine, Rigshospitalet, Copenhagen University Hospital
Classification: Uncertain significance. Last evaluated: 2025-03-04. Review status: criteria provided, single submitter. Criteria: ACMG Guidelines, 2015. Collection method: clinical testing. Allele origin: germline.

Myriad Genetics, Inc.
Classification: Likely benign for Hereditary leiomyomatosis and renal cell cancer. Last evaluated: 2024-10-17. Review status: criteria provided, single submitter. Criteria: Myriad Autosomal Dominant, Autosomal Recessive and X-Linked Classification Criteria (2023). Collection method: clinical testing. Allele origin: unknown.
Comment: This variant is considered likely benign. This variant has been observed at a population frequency that is significantly greater than expected given the associated disease prevalence and penetrance.

Quest Diagnostics Nichols Institute San Juan Capistrano
Classification: Uncertain significance. Last evaluated: 2024-02-14. Review status: criteria provided, single submitter. Criteria: Quest Diagnostics criteria. Collection method: clinical testing. Allele origin: unknown.
Comment: The FH c.-3A>G variant has not been reported in individuals with FH-related conditions in the published literature. The frequency of this variant in the general population, 0.00013 (7/53800 chromosomes in European (Non-Finnish) subpopulation (Genome Aggregation Database)), is higher than would generally be expected for pathogenic variants in this gene. Analysis of this variant using software algorithms for the prediction of the effect of nucleotide changes on splicing yielded predictions that this variant does not affect FH mRNA splicing. Based on the available information, we are unable to determine the clinical significance of this variant.

GeneDx
Classification: Likely benign. Last evaluated: 2020-11-16. Review status: criteria provided, single submitter. Criteria: GeneDx Variant Classification Process June 2021. Collection method: clinical testing. Allele origin: germline. Affected: yes.

PreventionGenetics, part of Exact Sciences
Classification: Likely benign for FH-related condition. Last evaluated: 2024-01-09. Review status: no assertion criteria provided. Collection method: clinical testing. Allele origin: germline. Not counted in ClinVar's aggregate classification.
Comment: This variant is classified as likely benign based on ACMG/AMP sequence variant interpretation guidelines (Richards et al. 2015 PMID: 25741868, with internal and published modifications).

NM_000143.4(FH):c.-3A>G

Gene: FH (fumarate hydratase; minus strand). Cytogenetic location: 1q43.
Variant type: single nucleotide variant.
Coding change: c.-3A>G on transcript NM_000143.4 (MANE Select); 3 bases upstream of the start codon, A replaced by G.
Molecular consequence: 5 prime UTR variant.
Genome position (GRCh38, 1-based): chr1:241,519,725, T>C on the plus strand (A>G on the coding strand, the complement: FH is on the minus strand). VCF-style: chr1-241519725-T-C. GRCh37 (hg19) VCF-style: chr1-241683025-T-C.
Identifiers: ClinVar variation 507987 (VCV000507987.21), dbSNP rs202145941, ClinGen allele CA1478788.
Genomic context (GRCh38, chr1:241,519,725, plus strand): 5'-CGGCTGGAGCCCGCACGAGGGGACGCGAGCGCGCGAGGAGCCGAAGTGCTCGGTACATGG[T>C]GCTGAGGGAGCTTGGGTAGAATTTCTGGGCGGCTGTGGCCACGCCTCCACGCCGGTTGTC-3'